The following is an entry in ClinVar:

NM_207346.3(TSEN54):c.804T>C (p.Pro268=)

Gene: TSEN54 (tRNA splicing endonuclease subunit 54; plus strand). Cytogenetic location: 17q25.1.
Variant type: single nucleotide variant.
Coding change: c.804T>C on transcript NM_207346.3 (MANE Select); coding-DNA position 804, T replaced by C.
Protein change: p.Pro268=; no amino-acid change (proline 268 retained).
Molecular consequence: synonymous variant.
Genome position (GRCh38, 1-based): chr17:75,521,885, T>C. VCF-style: chr17-75521885-T-C. GRCh37 (hg19) VCF-style: chr17-73517966-T-C.
Identifiers: ClinVar variation 2648264 (VCV002648264.27), dbSNP rs573370831, ClinGen allele CA8764270.

ClinVar aggregate classification (germline): Likely benign. Review status: criteria provided, multiple submitters, no conflicts (2 of 4 stars). 2 submissions from 2 submitters: Likely benign (2). Last evaluated 2025-05-05.

Allele frequency attached by ClinVar (database versions not stated): gnomAD 0.00001; TOPMed 0.00001; ExAC 0.00006; 1000 Genomes Project 30x 0.00016; 1000 Genomes Project 0.00020.
gnomAD v4.1: 44 of 1,609,772 alleles (0.0027%); highest among the groups gnomAD compares: Admixed American, 0.01%; no homozygotes.

Submissions (2):

Labcorp Genetics (formerly Invitae), Labcorp
Classification: Likely benign. Last evaluated: 2025-05-05. Review status: criteria provided, single submitter. Criteria: Invitae Variant Classification Sherloc (09022015). Collection method: clinical testing. Allele origin: germline.

CeGaT Center for Human Genetics Tuebingen
Classification: Likely benign. Last evaluated: 2022-11-01. Review status: criteria provided, single submitter. Criteria: CeGaT Center For Human Genetics Tuebingen Variant Classification Criteria Version 2. Collection method: clinical testing. Allele origin: germline. Affected: yes. Observed: 1 variant allele.
Comment: TSEN54: BP4, BP7